The following is an entry in ClinVar:

ClinVar aggregate classification (germline): Pathogenic. Review status: criteria provided, multiple submitters, no conflicts (2 of 4 stars). 4 submissions from 4 submitters: Pathogenic (4). Last evaluated 2025-12-16.

Conditions:
Tyrosinemia type I (TYRSN1). Also called: Deficiency of fumarylacetoacetase; FAH DEFICIENCY; Tyrosinemia type 1; Fumarylacetoacetase deficiency; HEPATORENAL TYROSINEMIA. Identifiers: Orphanet 882, MedGen C0268490, MONDO:0010161, OMIM 276700. Disease mechanism: loss of function.

Allele frequency attached by ClinVar (database versions not stated): gnomAD exomes below 0.00001 and 0.00001; TOPMed below 0.00001; ExAC 0.00002.

Submissions (4):

Myriad Genetics, Inc.
Classification: Pathogenic for Tyrosinemia type I. Last evaluated: 2025-12-16. Review status: criteria provided, single submitter. Criteria: Myriad Autosomal Dominant, Autosomal Recessive and X-Linked Classification Criteria (2023). Collection method: clinical testing. Allele origin: unknown.
Comment: NM_000137.2(FAH):c.3G>A(M1?) is an initiation codon variant classified as pathogenic in the context of tyrosinemia type I. M1? has been observed in cases with relevant disease (PMID: 31568711). Relevant functional assessments of this variant are not available in the literature. M1? has been observed in referenced population frequency databases. In summary, NM_000137.2(FAH):c.3G>A(M1?) is an initiation codon variant that has been observed more frequently in cases with the relevant disease than in healthy populations. Please note: this variant was assessed in the context of healthy population screening.

Natera, Inc.
Classification: Pathogenic for Tyrosinemia type I. Last evaluated: 2025-10-05. Review status: criteria provided, single submitter. Criteria: Natera Variant Classification Schema (03/2026). Collection method: clinical testing. Allele origin: germline.
Comment: The c.3G>A variant in FAH is predicted to result in start loss due to disruption of the initiator methionine. This variant is expected to result in nonsense mediated decay, truncation, or a dysfunctional protein product. This variant is rare in the general population with a frequency below the threshold expected for the associated phenotype(s). This variant has been observed in one or more individuals affected with the associated recessive disease, as either homozygous or compound heterozygous with a second variant (PMID: 31568711). Given the available evidence, this variant is classified as Pathogenic.

Labcorp Genetics (formerly Invitae), Labcorp
Classification: Pathogenic for Tyrosinemia type I. Last evaluated: 2025-04-02. Review status: criteria provided, single submitter. Criteria: Invitae Variant Classification Sherloc (09022015). Collection method: clinical testing. Allele origin: germline.
Comment: This sequence change affects the initiator methionine of the FAH mRNA. The next in-frame methionine is located at codon 71. This variant is present in population databases (rs766882348, gnomAD 0.003%). Disruption of the initiator codon has been observed in individual(s) with tyrosinemia type I (PMID: 21764616, 22802474, 24016420). It has also been observed to segregate with disease in related individuals. ClinVar contains an entry for this variant (Variation ID: 950962). For these reasons, this variant has been classified as Pathogenic.

Women's Health and Genetics/Laboratory Corporation of America, LabCorp
Classification: Pathogenic for Tyrosinemia type I. Last evaluated: 2023-03-02. Review status: criteria provided, single submitter. Criteria: LabCorp Variant Classification Summary - May 2015. Collection method: clinical testing. Allele origin: germline.
Comment: Variant summary: FAH c.3G>A (p.Met1Ile) alters the initiation codon and is predicted to result either in absence of the protein or truncation of the encoded protein due to translation initiation at a downstream codon. Other variants that disrupt the initiator codon have been reported in association with Tyrosinaemia 1 in HGMD. Three of three in-silico tools predict a benign effect of the variant on protein function. The variant allele was found at a frequency of 8e-06 in 250716 control chromosomes. The next downstream in-frame initiation codon is at codon 71 and other pathogenic variants have been reported upstream of this potential in-frame start codon. c.3G>A has been reported in the literature as a homozygous genotype in individuals affected with Tyrosinemia Type 1 (Ibarra-Gonzalez_2019). These data indicate that the variant is likely to be associated with disease. To our knowledge, no experimental evidence demonstrating an impact on protein function has been reported. Two clinical diagnostic laboratories have submitted clinical-significance assessments for this variant to ClinVar after 2014 without evidence for independent evaluation. All laboratories classified the variant as pathogenic. Based on the evidence outlined above, the variant was classified as pathogenic.

Literature cited by the submitters: PubMed 31568711 (cited by 3 submitters); PubMed 21764616 (cited by Labcorp Genetics (formerly Invitae), Labcorp); PubMed 22802474 (cited by Labcorp Genetics (formerly Invitae), Labcorp); PubMed 24016420 (cited by Labcorp Genetics (formerly Invitae), Labcorp).

NM_000137.4(FAH):c.3G>A (p.Met1Ile)

Gene: FAH (fumarylacetoacetate hydrolase; plus strand). Cytogenetic location: 15q25.1.
Variant type: single nucleotide variant.
Coding change: c.3G>A on transcript NM_000137.4 (MANE Select); coding-DNA position 3, G replaced by A.
Protein change: p.Met1Ile; changes the start codon (methionine 1).
Molecular consequence: missense variant, initiator codon variant.
Genome position (GRCh38, 1-based): chr15:80,153,057, G>A. VCF-style: chr15-80153057-G-A. GRCh37 (hg19) VCF-style: chr15-80445399-G-A.
Other names: c.3G>A, p.Met1Ile (NM_001374377.1, NM_001374380.1); short protein forms M1I.
Identifiers: ClinVar variation 950962 (VCV000950962.16), dbSNP rs766882348, ClinGen allele CA7690968.